The following is an entry in ClinVar:

ClinVar aggregate classification (germline): Uncertain significance (1 of 4 stars; one submission).

Submission:

Labcorp Genetics (formerly Invitae), Labcorp
Classification: Uncertain significance. Last evaluated: 2022-09-01. Review status: criteria provided, single submitter. Criteria: Invitae Variant Classification Sherloc (09022015). Collection method: clinical testing. Allele origin: germline.
Comment: This variant, c.1502_1504del, results in the deletion of 1 amino acid(s) of the MKL1 protein (p.Glu501del), but otherwise preserves the integrity of the reading frame. This variant is not present in population databases (gnomAD no frequency). This variant has not been reported in the literature in individuals affected with MKL1-related conditions. Experimental studies and prediction algorithms are not available or were not evaluated, and the functional significance of this variant is currently unknown. In summary, the available evidence is currently insufficient to determine the role of this variant in disease. Therefore, it has been classified as a Variant of Uncertain Significance.

NM_020831.6(MRTFA):c.1796AGG[2] (p.Glu601del)

Gene: MRTFA (myocardin related transcription factor A; minus strand). Cytogenetic location: 22q13.1.
Variant type: Microsatellite.
Coding change: c.1796AGG[2] on transcript NM_020831.6 (MANE Select); two copies in a row of the 3-base unit AGG starting at c.1796; the reference has three copies in a row; one copy, 3 bases deleted.
Protein change: p.Glu601del; deletes glutamic acid 601.
Molecular consequence: inframe deletion.
Genome position (GRCh38, 1-based): chr22:40,418,934-40,418,936, CCT deleted on the plus strand (AGG on the coding strand, the reverse complement: MRTFA is on the minus strand); deleting any 3 consecutive bases within chr22:40,418,934-40,418,942 gives the same sequence; the position shown is the placement nearest the transcript's 3' end. VCF-style (leftmost placement, unchanged base first): chr22-40418933-CCCT-C. GRCh37 (hg19) VCF-style: chr22-40814937-CCCT-C.
Other names: c.1496AGG[2], p.Glu501del (NM_001282660.2); c.1646AGG[2], p.Glu551del (NM_001282661.3); c.1796AGG[2], p.Glu601del (NM_001282662.3); c.1601AGG[2], p.Glu536del (NM_001318139.2); short protein forms E501del, E536del, E601del, E551del.
Identifiers: ClinVar variation 1987389 (VCV001987389.4), dbSNP rs2052758573, ClinGen allele CA1025774437.
Genomic context (GRCh38, chr22:40,418,933, plus strand): 5'-TCGCGCCCCTCTAGCTCCGCCCGCCCCCCAGGGCTCAGGCAACAGGACCCGGCCCGGGGG[CCCT>C]CCTCCTTCACGAGGATCTGCAGTGGCGAGGCCTGCAGGGTCAGCTGCGTCAGAGGTGATG-3'